The following is an entry in ClinVar:

NM_001378778.1(MPDZ):c.4768G>A (p.Val1590Ile)

Gene: MPDZ (multiple PDZ domain crumbs cell polarity complex component; minus strand). Cytogenetic location: 9p23.
Variant type: single nucleotide variant.
Coding change: c.4768G>A on transcript NM_001378778.1 (MANE Select); coding-DNA position 4768, G replaced by A.
Protein change: p.Val1590Ile; replaces valine 1590 with isoleucine.
Molecular consequence: missense variant.
Genome position (GRCh38, 1-based): chr9:13,125,255, C>T on the plus strand (G>A on the coding strand, the complement: MPDZ is on the minus strand). VCF-style: chr9-13125255-C-T. GRCh37 (hg19) VCF-style: chr9-13125254-C-T.
Other names: c.4669G>A, p.Val1557Ile (NM_001261406.2, NM_001261407.2, NM_001375416.1 and 3 more transcripts); c.4768G>A, p.Val1590Ile (NM_001330637.2, NM_003829.5); c.4867G>A, p.Val1623Ile (NM_001375413.1); c.4558G>A, p.Val1520Ile (NM_001375420.1, NM_001375421.1, NM_001375422.1 and 4 more transcripts); c.4360G>A, p.Val1454Ile (NM_001375427.1); short protein forms V1454I, V1520I, V1557I, V1590I, V1623I.
Identifiers: ClinVar variation 1177483 (VCV001177483.10), dbSNP rs1486488017, ClinGen allele CA372945990.

ClinVar aggregate classification (germline): Uncertain significance (1 of 4 stars; one submission).

Conditions:
Hydrocephalus, nonsyndromic, autosomal recessive 2. Also called: Hydrocephalus, congenital, 2, with or without brain or eye anomalies. Identifiers: Orphanet 2185, MedGen C3554691, MONDO:0014085, OMIM 615219.

Submission:

Labcorp Genetics (formerly Invitae), Labcorp
Classification: Uncertain significance. Last evaluated: 2022-06-19. Review status: criteria provided, single submitter. Criteria: Invitae Variant Classification Sherloc (09022015). Collection method: clinical testing. Allele origin: germline.
Comment: This variant is not present in population databases (gnomAD no frequency). This sequence change replaces valine, which is neutral and non-polar, with isoleucine, which is neutral and non-polar, at codon 1590 of the MPDZ protein (p.Val1590Ile). This variant has not been reported in the literature in individuals affected with MPDZ-related conditions. In summary, the available evidence is currently insufficient to determine the role of this variant in disease. Therefore, it has been classified as a Variant of Uncertain Significance. Algorithms developed to predict the effect of missense changes on protein structure and function output the following: SIFT: "Tolerated"; PolyPhen-2: "Benign"; Align-GVGD: "Class C0". The isoleucine amino acid residue is found in multiple mammalian species, which suggests that this missense change does not adversely affect protein function. ClinVar contains an entry for this variant (Variation ID: 1177483).